The following is an entry in ClinVar:

ClinVar aggregate classification (germline): Uncertain significance (1 of 4 stars; one submission).

Allele frequency attached by ClinVar (database versions not stated): gnomAD exomes 0.00003; TOPMed 0.00005; gnomAD 0.00006; ExAC 0.00012; 1000 Genomes Project 30x 0.00047; 1000 Genomes Project 0.00060.
gnomAD v4.1: 66 of 1,609,054 alleles (0.0041%); highest among the groups gnomAD compares: East Asian, 0.091%; 1 homozygote.

Submission:

Labcorp Genetics (formerly Invitae), Labcorp
Classification: Uncertain significance. Last evaluated: 2024-11-13. Review status: criteria provided, single submitter. Criteria: Invitae Variant Classification Sherloc (09022015). Collection method: clinical testing. Allele origin: germline.
Comment: This sequence change replaces leucine, which is neutral and non-polar, with phenylalanine, which is neutral and non-polar, at codon 161 of the CEP97 protein (p.Leu161Phe). This variant is present in population databases (rs201836749, gnomAD 0.2%), and has an allele count higher than expected for a pathogenic variant. This variant has not been reported in the literature in individuals affected with CEP97-related conditions. ClinVar contains an entry for this variant (Variation ID: 2155199). Invitae Evidence Modeling of protein sequence and biophysical properties (such as structural, functional, and spatial information, amino acid conservation, physicochemical variation, residue mobility, and thermodynamic stability) indicates that this missense variant is expected to disrupt CEP97 protein function with a positive predictive value of 80%. In summary, the available evidence is currently insufficient to determine the role of this variant in disease. Therefore, it has been classified as a Variant of Uncertain Significance.

NM_024548.4(CEP97):c.481C>T (p.Leu161Phe)

Gene: CEP97 (centrosomal protein 97; plus strand). Cytogenetic location: 3q12.3.
Variant type: single nucleotide variant.
Coding change: c.481C>T on transcript NM_024548.4 (MANE Select); coding-DNA position 481, C replaced by T.
Protein change: p.Leu161Phe; replaces leucine 161 with phenylalanine.
Molecular consequence: missense variant.
Genome position (GRCh38, 1-based): chr3:101,731,873, C>T. VCF-style: chr3-101731873-C-T. GRCh37 (hg19) VCF-style: chr3-101450717-C-T.
Other names: c.481C>T, p.Leu161Phe (NM_001303401.2); c.379C>T, p.Leu127Phe (NM_001410784.1, NM_001410785.1); short protein forms L127F, L161F.
Identifiers: ClinVar variation 2155199 (VCV002155199.4), dbSNP rs201836749, ClinGen allele CA2521918.